The following is an entry in ClinVar:

NM_016156.6(MTMR2):c.33C>T (p.Gly11=)

Gene: MTMR2 (myotubularin related protein 2; minus strand). Cytogenetic location: 11q21.
Variant type: single nucleotide variant.
Coding change: c.33C>T on transcript NM_016156.6 (MANE Select); coding-DNA position 33, C replaced by T.
Protein change: p.Gly11=; no amino-acid change (glycine 11 retained).
Molecular consequence: synonymous variant. On other transcripts: 5 prime UTR variant (3).
Genome position (GRCh38, 1-based): chr11:95,923,922, G>A on the plus strand (C>T on the coding strand, the complement: MTMR2 is on the minus strand). VCF-style: chr11-95923922-G-A. GRCh37 (hg19) VCF-style: chr11-95657086-G-A.
Other names: c.-451C>T (NM_001243571.2); c.-378C>T (NM_201278.3); c.-255C>T (NM_201281.3).
Identifiers: ClinVar variation 699577 (VCV000699577.11), dbSNP rs777455436, ClinGen allele CA6240493.

ClinVar aggregate classification (germline): Likely benign. Review status: criteria provided, multiple submitters, no conflicts (2 of 4 stars). 2 submissions from 2 submitters: Likely benign (2). Last evaluated 2026-07-15.

Conditions:
Charcot-Marie-Tooth disease type 4. Also called: Charcot-Marie-Tooth disease, type IV; Charcot-Marie-Tooth, Type 4. Identifiers: Orphanet 64749, MedGen C4082197, MONDO:0018995.
MTMR2-related disorder. Also called: MTMR2-related condition.

Allele frequency attached by ClinVar (database versions not stated): gnomAD exomes 0.00001 and 0.00004; ExAC 0.00006; gnomAD 0.00010 and 0.00012; TOPMed 0.00014.
gnomAD v4.1: 34 of 1,561,374 alleles (0.0022%); highest among the groups gnomAD compares: African/African-American, 0.03%; 1 homozygote.

Submissions (2):

PreventionGenetics, part of Exact Sciences
Classification: Likely benign for MTMR2-related condition. Last evaluated: 2026-07-15. Review status: criteria provided, single submitter. Criteria: ACMG Guidelines, 2015. Collection method: clinical testing. Allele origin: germline.
Comment: This variant is classified as likely benign based on ACMG/AMP sequence variant interpretation guidelines (Richards et al. 2015 PMID: 25741868, with internal and published modifications).

Labcorp Genetics (formerly Invitae), Labcorp
Classification: Likely benign for Charcot-Marie-Tooth disease type 4. Last evaluated: 2024-03-05. Review status: criteria provided, single submitter. Criteria: Invitae Variant Classification Sherloc (09022015). Collection method: clinical testing. Allele origin: germline.